The following is an entry in ClinVar:

NM_014974.3(DIP2C):c.2985+3G>A

Gene: DIP2C (DIP2 acetate--CoA ligase C (putative); minus strand). Cytogenetic location: 10p15.3.
Variant type: single nucleotide variant.
Coding change: c.2985+3G>A on transcript NM_014974.3 (MANE Select); 3 bases into the intron after coding-DNA position 2985, G replaced by A.
Molecular consequence: intron variant.
Genome position (GRCh38, 1-based): chr10:356,423, C>T on the plus strand (G>A on the coding strand, the complement: DIP2C is on the minus strand). VCF-style: chr10-356423-C-T. GRCh37 (hg19) VCF-style: chr10-402363-C-T.
Identifiers: ClinVar variation 2901825 (VCV002901825.3), dbSNP rs755825378, ClinGen allele CA5380233.
Genomic context (GRCh38, chr10:356,423, plus strand): 5'-TCCCAGGAACCAGGCTAGGCCCCTTGAGGCCAGTAGCCAGGGAAGGCCAGCTCCGCGCCT[C>T]ACCCGACAGTTGAGCAGCGTGTAGAGGATGTGGTCCGGGGTGGTCTGTGCTCTCCACTGC-3'

ClinVar aggregate classification (germline): Uncertain significance (1 of 4 stars; one submission).

Allele frequency attached by ClinVar (database versions not stated): ExAC 0.00001; gnomAD exomes 0.00001.
gnomAD v4.1: 16 of 1,611,036 alleles (0.00099%); highest among the groups gnomAD compares: Middle Eastern, 0.033%; no homozygotes.

Submission:

Labcorp Genetics (formerly Invitae), Labcorp
Classification: Uncertain significance. Last evaluated: 2023-11-03. Review status: criteria provided, single submitter. Criteria: Invitae Variant Classification Sherloc (09022015). Collection method: clinical testing. Allele origin: germline.
Comment: This sequence change falls in intron 24 of the DIP2C gene. It does not directly change the encoded amino acid sequence of the DIP2C protein. It affects a nucleotide within the consensus splice site. This variant is present in population databases (rs755825378, gnomAD 0.003%). This variant has not been reported in the literature in individuals affected with DIP2C-related conditions. Variants that disrupt the consensus splice site are a relatively common cause of aberrant splicing (PMID: 17576681, 9536098). Algorithms developed to predict the effect of sequence changes on RNA splicing suggest that this variant is not likely to affect RNA splicing. In summary, the available evidence is currently insufficient to determine the role of this variant in disease. Therefore, it has been classified as a Variant of Uncertain Significance.

Literature cited by the submitters: PubMed 17576681; PubMed 9536098.